The following is an entry in ClinVar:

ClinVar aggregate classification (germline): Uncertain significance. Review status: criteria provided, single submitter (1 of 4 stars). 2 submissions from 2 submitters: Uncertain significance (1). 1 of the submissions does not count toward it. Last evaluated 2025-06-11.

Conditions:
Autosomal recessive osteopetrosis 1. Also called: ALBERS-SCHONBERG DISEASE, AUTOSOMAL RECESSIVE; TCIRG1-Related Osteopetrosis; TCIRG1-Related Autosomal Recessive Osteopetrosis. Identifiers: Orphanet 667, MedGen C1850127, MONDO:0009815, OMIM 259700.

Allele frequency attached by ClinVar (database versions not stated): gnomAD 0.00001; gnomAD exomes 0.00001 and below 0.00001; TOPMed 0.00001.

Submissions (2):

Labcorp Genetics (formerly Invitae), Labcorp
Classification: Uncertain significance. Last evaluated: 2025-06-11. Review status: criteria provided, single submitter. Criteria: Invitae Variant Classification Sherloc (09022015). Collection method: clinical testing. Allele origin: germline.
Comment: This sequence change replaces arginine, which is basic and polar, with tryptophan, which is neutral and slightly polar, at codon 565 of the TCIRG1 protein (p.Arg565Trp). The frequency data for this variant in the population databases is considered unreliable, as metrics indicate poor data quality at this position in the gnomAD database. This variant has not been reported in the literature in individuals affected with TCIRG1-related conditions. ClinVar contains an entry for this variant (Variation ID: 1005769). Invitae Evidence Modeling of protein sequence and biophysical properties (such as structural, functional, and spatial information, amino acid conservation, physicochemical variation, residue mobility, and thermodynamic stability) indicates that this missense variant is expected to disrupt TCIRG1 protein function with a positive predictive value of 80%. In summary, the available evidence is currently insufficient to determine the role of this variant in disease. Therefore, it has been classified as a Variant of Uncertain Significance.

Natera, Inc.
Classification: Uncertain significance for Infantile malignant osteopetrosis. Last evaluated: 2020-08-24. Review status: no assertion criteria provided. Collection method: clinical testing. Allele origin: germline. Not counted in ClinVar's aggregate classification.

NM_006019.4(TCIRG1):c.1693C>T (p.Arg565Trp)

Gene: TCIRG1 (T cell immune regulator 1, ATPase H+ transporting V0 subunit a3; plus strand). Cytogenetic location: 11q13.2.
Variant type: single nucleotide variant.
Coding change: c.1693C>T on transcript NM_006019.4 (MANE Select); coding-DNA position 1693, C replaced by T.
Protein change: p.Arg565Trp; replaces arginine 565 with tryptophan.
Molecular consequence: missense variant.
Genome position (GRCh38, 1-based): chr11:68,049,100, C>T. VCF-style: chr11-68049100-C-T. GRCh37 (hg19) VCF-style: chr11-67816567-C-T.
Other names: c.799C>T, p.Arg267Trp (NM_001351059.2); c.1045C>T, p.Arg349Trp (NM_006053.4); short protein forms R267W, R349W, R565W.
Identifiers: ClinVar variation 1005769 (VCV001005769.8), dbSNP rs890729823, ClinGen allele CA224209634.
Genomic context (GRCh38, chr11:68,049,100, plus strand): 5'-AGAGTGGGCCCCAGTGAGCACACCTCCCTCTTGCCCGCCAGGCACTTTGGCCAGAGGCAC[C>T]GGCTGCTGCTGGAGACGCTGCCGGAGCTCACCTTCCTGCTGGGACTCTTCGGTTACCTCG-3'
Protein context (NP_006010.2, residues 555-575): FNHVHFGQRH[Arg565Trp]LLLETLPELT